The following is an entry in ClinVar:

NM_000048.4(ASL):c.1194C>T (p.Ala398=)

Gene: ASL (argininosuccinate lyase; plus strand). Cytogenetic location: 7q11.21.
Variant type: single nucleotide variant.
Coding change: c.1194C>T on transcript NM_000048.4 (MANE Select); coding-DNA position 1194, C replaced by T.
Protein change: p.Ala398=; no amino-acid change (alanine 398 retained).
Molecular consequence: synonymous variant.
Genome position (GRCh38, 1-based): chr7:66,092,607, C>T. VCF-style: chr7-66092607-C-T. GRCh37 (hg19) VCF-style: chr7-65557594-C-T.
Other names: c.1194C>T, p.Ala398= (NM_001024943.2); c.1134C>T, p.Ala378= (NM_001024944.2); c.1116C>T, p.Ala372= (NM_001024946.2).
Identifiers: ClinVar variation 512987 (VCV000512987.11), dbSNP rs149370610, ClinGen allele CA4277336.

ClinVar aggregate classification (germline): Likely benign. Review status: criteria provided, multiple submitters, no conflicts (2 of 4 stars). 2 submissions from 2 submitters: Likely benign (2). Last evaluated 2026-02-02.

Conditions:
Argininosuccinate lyase deficiency. Also called: ARGININOSUCCINIC ACID LYASE DEFICIENCY; ASL DEFICIENCY; Argininosuccinic aciduria. Identifiers: Orphanet 23, MedGen C0268547, MONDO:0008815, OMIM 207900, HP:0025630.

Allele frequency attached by ClinVar (database versions not stated): TOPMed 0.00007.
gnomAD v4.1: 203 of 1,612,872 alleles (0.013%); highest among the groups gnomAD compares: Non-Finnish European, 0.016%; no homozygotes.

Submissions (2):

Labcorp Genetics (formerly Invitae), Labcorp
Classification: Likely benign for Argininosuccinate lyase deficiency. Last evaluated: 2026-02-02. Review status: criteria provided, single submitter. Criteria: Invitae Variant Classification Sherloc (09022015). Collection method: clinical testing. Allele origin: germline.

GeneDx
Classification: Likely benign. Last evaluated: 2017-11-03. Review status: criteria provided, single submitter. Criteria: GeneDx Variant Classification (06012015). Collection method: clinical testing. Allele origin: germline. Affected: yes.
Comment: This variant is considered likely benign or benign based on one or more of the following criteria: it is a conservative change, it occurs at a poorly conserved position in the protein, it is predicted to be benign by multiple in silico algorithms, and/or has population frequency not consistent with disease.